The following is an entry in ClinVar:

NM_001267550.2(TTN):c.68527G>C (p.Asp22843His)

Genes: TTN-AS1 (TTN antisense RNA 1; plus strand), TTN (titin; minus strand). Cytogenetic location: 2q31.2.
Variant type: single nucleotide variant.
Coding change: c.68527G>C on transcript NM_001267550.2 (MANE Select); coding-DNA position 68527, G replaced by C.
Protein change: p.Asp22843His; replaces aspartic acid 22843 with histidine.
Molecular consequence: missense variant.
Genome position (GRCh38, 1-based): chr2:178,577,988, C>G on the plus strand (G>C on the coding strand, the complement: TTN is on the minus strand). VCF-style: chr2-178577988-C-G. GRCh37 (hg19) VCF-style: chr2-179442715-C-G.
Other names: c.63604G>C, p.Asp21202His (NM_001256850.1); c.41332G>C, p.Asp13778His (NM_003319.4); c.60823G>C, p.Asp20275His (NM_133378.4); c.41707G>C, p.Asp13903His (NM_133432.3); c.41908G>C, p.Asp13970His (NM_133437.4); short protein forms D13903H, D20275H, D21202H, D22843H, D13778H, D13970H.
Identifiers: ClinVar variation 1994293 (VCV001994293.4), dbSNP rs2468809873, ClinGen allele CA349672128.

ClinVar aggregate classification (germline): Uncertain significance (1 of 4 stars; one submission).

Conditions:
Dilated cardiomyopathy 1G (CMD1G). Identifiers: Orphanet 154, MedGen C1858763, MONDO:0011400, OMIM 604145.
Autosomal recessive limb-girdle muscular dystrophy type 2J (LGMDR10). Also called: Limb-girdle muscular dystrophy, type 2J; MUSCULAR DYSTROPHY, LIMB-GIRDLE, AUTOSOMAL RECESSIVE 10. Identifiers: Orphanet 140922, MedGen C1837342, MONDO:0012127, OMIM 608807.

Submission:

Labcorp Genetics (formerly Invitae), Labcorp
Classification: Uncertain significance for Dilated cardiomyopathy 1G; Autosomal recessive limb-girdle muscular dystrophy type 2J. Last evaluated: 2023-11-27. Review status: criteria provided, single submitter. Criteria: Invitae Variant Classification Sherloc (09022015). Collection method: clinical testing. Allele origin: germline.
Comment: This sequence change replaces aspartic acid, which is acidic and polar, with histidine, which is basic and polar, at codon 22843 of the TTN protein (p.Asp22843His). This variant also falls at the last nucleotide of exon 322, which is part of the consensus splice site for this exon. This variant is not present in population databases (gnomAD no frequency). This variant has not been reported in the literature in individuals affected with TTN-related conditions. ClinVar contains an entry for this variant (Variation ID: 1994293). Experimental studies and prediction algorithms are not available or were not evaluated, and the functional significance of this variant is currently unknown. Variants that disrupt the consensus splice site are a relatively common cause of aberrant splicing (PMID: 17576681, 9536098). This variant is located in the A band of TTN (PMID: 25589632). Variants in this region may be relevant for cardiac or neuromuscular disorders (PMID: 25589632, 23975875). In summary, the available evidence is currently insufficient to determine the role of this variant in disease. Therefore, it has been classified as a Variant of Uncertain Significance.

Literature cited by the submitters: PubMed 17576681; PubMed 9536098; PubMed 25589632; PubMed 23975875.